The following is an entry in ClinVar:

ClinVar aggregate classification (germline): Uncertain significance (1 of 4 stars; one submission).

Conditions:
POLD1-related polyposis and colorectal cancer syndrome (CRCS10). Also called: Colorectal cancer 10; COLORECTAL CANCER, SUSCEPTIBILITY TO, ON CHROMOSOME 19q; Colorectal cancer, susceptibility to, 10. Identifiers: Orphanet 220460, MedGen C2675481, MONDO:0012953, OMIM 612591.

Submission:

Labcorp Genetics (formerly Invitae), Labcorp
Classification: Uncertain significance for POLD1-related polyposis and colorectal cancer syndrome. Last evaluated: 2023-08-29. Review status: criteria provided, single submitter. Criteria: Invitae Variant Classification Sherloc (09022015). Collection method: clinical testing. Allele origin: germline.
Comment: In summary, the available evidence is currently insufficient to determine the role of this variant in disease. Therefore, it has been classified as a Variant of Uncertain Significance. Experimental studies and prediction algorithms are not available or were not evaluated, and the effect of this variant on mRNA splicing is currently unknown. This variant has not been reported in the literature in individuals affected with POLD1-related conditions. Information on the frequency of this variant in the gnomAD database is not available, as this variant may be reported differently in the database. This sequence change falls in intron 26 of the POLD1 gene. It does not directly change the encoded amino acid sequence of the POLD1 protein.

NM_002691.4(POLD1):c.3219-14_3219-13delinsCT

Gene: POLD1 (DNA polymerase delta 1, catalytic subunit; plus strand). Cytogenetic location: 19q13.33.
Variant type: Indel.
Coding change: c.3219-14_3219-13delinsCT on transcript NM_002691.4 (MANE Select); 14 bases into the intron before coding-DNA position 3219 through 13 bases into the intron before coding-DNA position 3219, GC replaced by CT.
Molecular consequence: intron variant.
Genome position (GRCh38, 1-based): chr19:50,417,828-50,417,829, GC replaced by CT. VCF-style: chr19-50417828-GC-CT. GRCh37 (hg19) VCF-style: chr19-50921085-GC-CT.
Other names: c.3219-14_3219-13delinsCT (NM_001256849.1); c.3297-14_3297-13delinsCT (NM_001308632.1).
Identifiers: ClinVar variation 2851762 (VCV002851762.3), dbSNP rs2514086365, ClinGen allele CA2739276972.